The following is an entry in ClinVar:

ClinVar aggregate classification (germline): Pathogenic/Likely pathogenic. Review status: criteria provided, multiple submitters, no conflicts (2 of 4 stars). 6 submissions from 6 submitters: Pathogenic (2); Likely pathogenic (2). 2 of the submissions do not count toward it. Last evaluated 2024-09-30.

Conditions:
Autosomal recessive congenital ichthyosis 1 (LI1). Also called: COLLODION FETUS; DESQUAMATION OF NEWBORN; ICHTHYOSIS CONGENITA; ICHTHYOSIS CONGENITA II; ICHTHYOSIS, CONGENITAL, AUTOSOMAL RECESSIVE 1, WITH BATHING SUIT DISTRIBUTION; ICHTHYOSIS, CONGENITAL, AUTOSOMAL RECESSIVE 1, WITH OR WITHOUT BATHING SUIT DISTRIBUTION. Identifiers: MedGen C4551630, MONDO:0009441, OMIM 242300.

Allele frequency attached by ClinVar (database versions not stated): gnomAD exomes 0.00001 and 0.00003; gnomAD 0.00001; TOPMed 0.00001.
gnomAD v4.1: 19 of 1,613,928 alleles (0.0012%); highest among the groups gnomAD compares: African/African-American, 0.0013%; no homozygotes.

Submissions (6):

Natera, Inc.
Classification: Pathogenic for Autosomal recessive congenital ichthyosis type 1. Last evaluated: 2024-09-30. Review status: criteria provided, single submitter. Criteria: Natera Variant Classification Schema (03/2026). Collection method: clinical testing. Allele origin: germline.
Comment: The c.1744C>T variant in TGM1 is a nonsense variant predicted to introduce a stop codon at amino acid 582. This variant is expected to result in nonsense mediated decay, truncation, or a dysfunctional protein product. This variant is rare in the general population with a frequency below the threshold expected for the associated phenotype(s). This variant has been observed in one or more individuals affected with the associated recessive disease, as either homozygous or compound heterozygous with a second variant (PMID: 11298529). Given the available evidence, this variant is classified as Pathogenic.

Fulgent Genetics
Classification: Likely pathogenic for Autosomal recessive congenital ichthyosis 1. Last evaluated: 2024-06-06. Review status: criteria provided, single submitter. Criteria: ACMG Guidelines, 2015. Collection method: clinical testing. Allele origin: germline.

Labcorp Genetics (formerly Invitae), Labcorp
Classification: Pathogenic. Last evaluated: 2024-01-19. Review status: criteria provided, single submitter. Criteria: Invitae Variant Classification Sherloc (09022015). Collection method: clinical testing. Allele origin: germline.
Comment: This sequence change creates a premature translational stop signal (p.Gln582*) in the TGM1 gene. It is expected to result in an absent or disrupted protein product. Loss-of-function variants in TGM1 are known to be pathogenic (PMID: 18948357, 19241467). This variant is present in population databases (rs397514522, gnomAD 0.06%). This premature translational stop signal has been observed in individual(s) with lamellar ichthyosis (PMID: 11298529). ClinVar contains an entry for this variant (Variation ID: 39523). For these reasons, this variant has been classified as Pathogenic.

Genome-Nilou Lab
Classification: Likely pathogenic for Autosomal recessive congenital ichthyosis 1. Review status: criteria provided, single submitter. Criteria: ACMG Guidelines, 2015. Collection method: clinical testing. Allele origin: germline.

Counsyl
Classification: Likely pathogenic for Autosomal recessive congenital ichthyosis 1. Last evaluated: 2017-04-24. Review status: no assertion criteria provided. Collection method: clinical testing. Allele origin: unknown. Not counted in ClinVar's aggregate classification.

OMIM
Classification: Pathogenic for ICHTHYOSIS, CONGENITAL, AUTOSOMAL RECESSIVE 1. Last evaluated: 2001-04-01. Review status: no assertion criteria provided. Collection method: literature only. Allele origin: germline. Not counted in ClinVar's aggregate classification.

Literature cited by the submitters: PubMed 11298529 (cited by 4 submitters); PubMed 18948357 (cited by Labcorp Genetics (formerly Invitae), Labcorp); PubMed 19241467 (cited by Labcorp Genetics (formerly Invitae), Labcorp); PubMed 25525159 (cited by Counsyl).

NM_000359.3(TGM1):c.1744C>T (p.Gln582Ter)

Gene: TGM1 (transglutaminase 1; minus strand). Cytogenetic location: 14q12.
Variant type: single nucleotide variant.
Coding change: c.1744C>T on transcript NM_000359.3 (MANE Select); coding-DNA position 1744, C replaced by T.
Protein change: p.Gln582Ter; replaces glutamine 582 with a stop codon.
Molecular consequence: nonsense.
Genome position (GRCh38, 1-based): chr14:24,255,155, G>A on the plus strand (C>T on the coding strand, the complement: TGM1 is on the minus strand). VCF-style: chr14-24255155-G-A. GRCh37 (hg19) VCF-style: chr14-24724361-G-A.
Other names: short protein forms Q582*.
Identifiers: ClinVar variation 39523 (VCV000039523.19), dbSNP rs397514522, ClinGen allele CA261146.